The following is an entry in ClinVar:

NM_032357.4(VMA22):c.92T>C (p.Leu31Ser)

Gene: VMA22 (vacuolar ATPase assembly factor VMA22; minus strand). Cytogenetic location: 2q21.1.
Variant type: single nucleotide variant.
Coding change: c.92T>C on transcript NM_032357.4 (MANE Select); coding-DNA position 92, T replaced by C.
Protein change: p.Leu31Ser; replaces leucine 31 with serine.
Molecular consequence: missense variant. On other transcripts: non-coding transcript variant (1), intron variant (2).
Genome position (GRCh38, 1-based): chr2:130,342,034, A>G on the plus strand (T>C on the coding strand, the complement: VMA22 is on the minus strand). VCF-style: chr2-130342034-A-G. GRCh37 (hg19) VCF-style: chr2-131099607-A-G.
Other names: c.97-90T>C (NM_001321118.1); c.87+5T>C (NM_001321119.2); short protein forms L31S.
Identifiers: ClinVar variation 218967 (VCV000218967.16), dbSNP rs751325113, ClinGen allele CA351426.

ClinVar aggregate classification (germline): Pathogenic. Review status: criteria provided, multiple submitters, no conflicts (2 of 4 stars). 7 submissions from 7 submitters: Pathogenic (5). 2 of the submissions do not count toward it. Last evaluated 2024-01-29.

Conditions:
Congenital disorders of glycosylation type II. Identifiers: MedGen CN234782.
CCDC115-CDG. Also called: CDG IIo; CONGENITAL DISORDER OF GLYCOSYLATION, TYPE IIo. Identifiers: Orphanet 468684, MedGen C4225191, MONDO:0014789, OMIM 616828.

Allele frequency attached by ClinVar (database versions not stated): gnomAD 0.00004 and 0.00005; TOPMed 0.00006; ExAC 0.00001; gnomAD exomes 0.00001.
gnomAD v4.1: 40 of 1,613,698 alleles (0.0025%); highest among the groups gnomAD compares: Admixed American, 0.005%; no homozygotes.

Submissions (7):

Labcorp Genetics (formerly Invitae), Labcorp
Classification: Pathogenic. Last evaluated: 2024-01-29. Review status: criteria provided, single submitter. Criteria: Invitae Variant Classification Sherloc (09022015). Collection method: clinical testing. Allele origin: germline.
Comment: This sequence change replaces leucine, which is neutral and non-polar, with serine, which is neutral and polar, at codon 31 of the CCDC115 protein (p.Leu31Ser). This variant is present in population databases (rs751325113, gnomAD 0.002%). This missense change has been observed in individual(s) with congenital disorder of glycosylation (PMID: 26833332, 29759592, 33413482). It has also been observed to segregate with disease in related individuals. ClinVar contains an entry for this variant (Variation ID: 218967). An algorithm developed to predict the effect of missense changes on protein structure and function (PolyPhen-2) suggests that this variant is likely to be disruptive. For these reasons, this variant has been classified as Pathogenic.

Victorian Clinical Genetics Services, Murdoch Childrens Research Institute
Classification: Pathogenic for CCDC115-CDG. Last evaluated: 2023-12-21. Review status: criteria provided, single submitter. Criteria: ACMG Guidelines, 2015. Collection method: clinical testing. Allele origin: germline. Inheritance: Autosomal recessive inheritance. Affected: yes.
Comment: Based on the classification scheme VCGS_Germline_v1.3.4, this variant is classified as Pathogenic. Following criteria are met: 0102 - Loss of function is a known mechanism of disease in this gene and is associated with congenital disorder of glycosylation, type IIo (CDG; MIM#616828). (I) 0106 - This gene is associated with autosomal recessive disease. (I) 0200 - Variant is predicted to result in a missense amino acid change from leucine to serine. (I) 0251 - This variant is heterozygous. (I) 0304 - Variant is present in gnomAD <0.01 for a recessive condition (v3: 7 heterozygotes, 0 homozygotes). (SP) 0309 - An alternative amino acid change at the same position has been observed in gnomAD (v3: 125 heterozygotes, 1 homozygote). (I) 0501 - Missense variant consistently predicted to be damaging by multiple in silico tools or highly conserved with a major amino acid change. (SP) 0604 - Variant is not located in an established domain, motif, hotspot or informative constraint region. (I) 0801 - This variant has strong previous evidence of pathogenicity in unrelated individuals. It has been identified in at least ten probands, both homozygotes and compound heterozygotes, diagnosed with CDG (PMIDs: 26833332, 29759592, 33413482). This variant has also been classified as pathogenic by diagnostic laboratories in ClinVar. (I) Legend: (SP) - Supporting pathogenic, (I) - Information, (SB) - Supporting benign

GeneDx
Classification: Pathogenic. Last evaluated: 2021-03-10. Review status: criteria provided, single submitter. Criteria: GeneDx Variant Classification Process June 2021. Collection method: clinical testing. Allele origin: germline. Affected: yes.
Comment: Not observed at a significant frequency in large population cohorts (Lek et al., 2016); In silico analysis supports that this missense variant has a deleterious effect on protein structure/function; This variant is associated with the following publications: (PMID: 26833332, 33413482, 29759592, 25902754)

Laboratory for Molecular Medicine, Mass General Brigham Personalized Medicine
Classification: Pathogenic for CCDC115-CDG. Last evaluated: 2020-06-05. Review status: criteria provided, single submitter. Criteria: LMM Criteria. Collection method: clinical testing. Allele origin: germline. Inheritance: Autosomal recessive inheritance. Observed: 1 variant allele.
Comment: The p.Leu31Ser variant in CCDC115 has been reported in 3 homozygous and 4 compound heterozygous (3 of which carried a loss of function allele in trans and one individual carried a missense) individuals with congenital disorder of glycosylation and segregated with disease in 2 affected relatives from 1 family (Jansen 2016 PMID:26833332, Girard 2018 PMID: 29759592). This variant has been identified in 3/128322 European chromosomes by gnomAD. Computational prediction tools and conservation analyses suggest that this variant may impact the protein, though this information is not predictive enough to determine pathogenicity. In vitro and in vivo functional studies support an impact on protein function (Jansen 2016 PMID:26833332). In summary, this variant meets criteria to be classified as pathogenic for autosomal recessive congenital disorder of glycosylation. ACMG/AMP Criteria applied: PP3, PS3_Supporting, PP1_Supporting, PM3_Very Strong.

Baylor Genetics
Classification: Pathogenic for CCDC115-CDG. Last evaluated: 2018-07-11. Review status: criteria provided, single submitter. Criteria: ACMG Guidelines, 2015. Collection method: clinical testing. Allele origin: inherited. Affected: yes.
Comment: This variant was determined to be pathogenic according to ACMG Guidelines, 2015 [PMID:25741868]. This variant has been previously reported in several patients with CCDC115 deficiency [PMID: 26833332]

OMIM
Classification: Pathogenic for CONGENITAL DISORDER OF GLYCOSYLATION, TYPE IIo. Last evaluated: 2025-12-12. Review status: no assertion criteria provided. Collection method: literature only. Allele origin: germline. Not counted in ClinVar's aggregate classification.

Laboratory of Gastroenterology and Hepatology, Radboud University Medical Center
Classification: Pathogenic for Congenital Disorders of Glycosylation type II. Review status: no assertion criteria provided. Collection method: research. Allele origin: germline. Inheritance: Autosomal recessive inheritance. Affected: yes. Observed: 6 variant alleles, 1 compound heterozygote, 5 homozygotes. Not counted in ClinVar's aggregate classification.

Literature cited by the submitters: PubMed 26833332 (cited by 6 submitters); PubMed 29759592 (cited by 3 submitters); PubMed 33413482 (cited by Labcorp Genetics (formerly Invitae), Labcorp and Victorian Clinical Genetics Services, Murdoch Childrens Research Institute); PubMed 41037859 (cited by OMIM).